The following is an entry in ClinVar:

ClinVar aggregate classification (germline): Uncertain significance. Review status: criteria provided, multiple submitters, no conflicts (2 of 4 stars). 2 submissions from 2 submitters: Uncertain significance (2). Last evaluated 2021-08-26.

Conditions:
Ehlers-Danlos syndrome, dermatosparaxis type. Also called: EDS VIIC; Dermatosparaxis; Ehlers-Danlos syndrome, type VII, autosomal recessive. Identifiers: Orphanet 1901, MedGen C2700425, MONDO:0009161, OMIM 225410.

Allele frequency attached by ClinVar (database versions not stated): gnomAD exomes below 0.00001; TOPMed 0.00002.
gnomAD v4.1: 11 of 1,614,160 alleles (0.00068%); highest among the groups gnomAD compares: East Asian, 0.0045%; no homozygotes.

Submissions (2):

Labcorp Genetics (formerly Invitae), Labcorp
Classification: Uncertain significance for Ehlers-Danlos syndrome, dermatosparaxis type. Last evaluated: 2021-08-26. Review status: criteria provided, single submitter. Criteria: Invitae Variant Classification Sherloc (09022015). Collection method: clinical testing. Allele origin: germline.
Comment: This sequence change replaces glycine with serine at codon 375 of the ADAMTS2 protein (p.Gly375Ser). The glycine residue is highly conserved and there is a small physicochemical difference between glycine and serine. This variant is not present in population databases (ExAC no frequency). This variant has not been reported in the literature in individuals affected with ADAMTS2-related conditions. ClinVar contains an entry for this variant (Variation ID: 353125). Algorithms developed to predict the effect of missense changes on protein structure and function (SIFT, PolyPhen-2, Align-GVGD) all suggest that this variant is likely to be disruptive. Algorithms developed to predict the effect of sequence changes on RNA splicing suggest that this variant may create or strengthen a splice site. In summary, the available evidence is currently insufficient to determine the role of this variant in disease. Therefore, it has been classified as a Variant of Uncertain Significance.

Illumina Laboratory Services, Illumina
Classification: Uncertain significance for Ehlers-Danlos syndrome, dermatosparaxis type. Last evaluated: 2018-01-12. Review status: criteria provided, single submitter. Criteria: ICSL Variant Classification Criteria 13 December 2019. Collection method: clinical testing. Allele origin: germline.

NM_014244.5(ADAMTS2):c.1123G>A (p.Gly375Ser)

Gene: ADAMTS2 (ADAM metallopeptidase with thrombospondin type 1 motif 2; minus strand). Cytogenetic location: 5q35.3.
Variant type: single nucleotide variant.
Coding change: c.1123G>A on transcript NM_014244.5 (MANE Select); coding-DNA position 1123, G replaced by A.
Protein change: p.Gly375Ser; replaces glycine 375 with serine.
Molecular consequence: missense variant.
Genome position (GRCh38, 1-based): chr5:179,158,732, C>T on the plus strand (G>A on the coding strand, the complement: ADAMTS2 is on the minus strand). VCF-style: chr5-179158732-C-T. GRCh37 (hg19) VCF-style: chr5-178585733-C-T.
Other names: c.1123G>A, p.Gly375Ser (NM_021599.4); short protein forms G375S.
Identifiers: ClinVar variation 353125 (VCV000353125.9), dbSNP rs886060494, ClinGen allele CA10621520.